The following is an entry in ClinVar:

NM_000188.3(HK1):c.618G>T (p.Val206=)

Gene: HK1 (hexokinase 1; plus strand). Cytogenetic location: 10q22.1.
Variant type: single nucleotide variant.
Coding change: c.618G>T on transcript NM_000188.3 (MANE Select); coding-DNA position 618, G replaced by T.
Protein change: p.Val206=; no amino-acid change (valine 206 retained).
Molecular consequence: synonymous variant.
Genome position (GRCh38, 1-based): chr10:69,369,263, G>T. VCF-style: chr10-69369263-G-T. GRCh37 (hg19) VCF-style: chr10-71129019-G-T.
Other names: c.618G>T (NM_000188.2); c.630G>T, p.Val210= (NM_001322364.2, NM_001358263.1, NM_033497.3 and 1 more transcripts); c.723G>T, p.Val241= (NM_001322365.2); c.534G>T, p.Val178= (NM_001322366.1); c.522G>T, p.Val174= (NM_001322367.1); c.615G>T, p.Val205= (NM_033496.3); c.582G>T, p.Val194= (NM_033500.2).
Identifiers: ClinVar variation 1129968 (VCV001129968.11), dbSNP rs141258173, ClinGen allele CA5532395.

ClinVar aggregate classification (germline): Likely benign. Review status: criteria provided, multiple submitters, no conflicts (2 of 4 stars). 3 submissions from 3 submitters: Likely benign (3). Last evaluated 2025-09-28.

Conditions:
HK1-related disorder. Also called: HK1-related condition; HK1-related disorders.

Allele frequency attached by ClinVar (database versions not stated): ExAC 0.00003; gnomAD exomes 0.00003; gnomAD 0.00013 and 0.00015; TOPMed 0.00013; 1000 Genomes Project 30x 0.00016; 1000 Genomes Project 0.00020; ESP Exome Variant Server 0.00023.
gnomAD v4.1: 57 of 1,614,130 alleles (0.0035%); highest among the groups gnomAD compares: African/African-American, 0.075%; no homozygotes.

Submissions (3):

Labcorp Genetics (formerly Invitae), Labcorp
Classification: Likely benign. Last evaluated: 2025-09-28. Review status: criteria provided, single submitter. Criteria: Invitae Variant Classification Sherloc (09022015). Collection method: clinical testing. Allele origin: germline.

PreventionGenetics, part of Exact Sciences
Classification: Likely benign for HK1-related condition. Last evaluated: 2025-02-26. Review status: criteria provided, single submitter. Criteria: ACMG Guidelines, 2015. Collection method: clinical testing. Allele origin: germline.
Comment: This variant is classified as likely benign based on ACMG/AMP sequence variant interpretation guidelines (Richards et al. 2015 PMID: 25741868, with internal and published modifications).

Blueprint Genetics
Classification: Likely benign. Last evaluated: 2021-04-06. Review status: criteria provided, single submitter. Criteria: ACMG Guidelines, 2015. Collection method: clinical testing. Allele origin: germline.